The following is an entry in ClinVar:

NM_018699.4(PRDM5):c.22G>C (p.Asp8His)

Gene: PRDM5 (PR/SET domain 5; minus strand). Cytogenetic location: 4q27.
Variant type: single nucleotide variant.
Coding change: c.22G>C on transcript NM_018699.4 (MANE Select); coding-DNA position 22, G replaced by C.
Protein change: p.Asp8His; replaces aspartic acid 8 with histidine.
Molecular consequence: missense variant.
Genome position (GRCh38, 1-based): chr4:120,922,587, C>G on the plus strand (G>C on the coding strand, the complement: PRDM5 is on the minus strand). VCF-style: chr4-120922587-C-G. GRCh37 (hg19) VCF-style: chr4-121843742-C-G.
Other names: c.22G>C, p.Asp8His (NM_001300823.2, NM_001300824.2, NM_001379104.1 and 1 more transcripts); short protein forms D8H.
Identifiers: ClinVar variation 3424727 (VCV003424727.7).
Genomic context (GRCh38, chr4:120,922,587, plus strand): 5'-TGCGGGCCGTGTAGAGCCCCATGCCGTCCTGAACCCGGGAGGACTTCAGGGAGAACCTGT[C>G]CGGCACGTACATGCCCAGCATTTTCCCGGGCGCGGCGGCCGCCGCCTCTCTCAACACCGG-3'
Protein context (NP_061169.2, residues 1-18): MLGMYVP[Asp8His]RFSLKSSRVQ

ClinVar aggregate classification (germline): Uncertain significance. Review status: criteria provided, multiple submitters, no conflicts (2 of 4 stars). 2 submissions from 2 submitters: Uncertain significance (2). Last evaluated 2025-11-01.

Conditions:
Cardiovascular phenotype. Identifiers: MedGen CN230736.

gnomAD v4.1: 10 of 1,609,476 alleles (0.00062%); highest among the groups gnomAD compares: African/African-American, 0.0013%; no homozygotes.

Submissions (2):

CeGaT Center for Human Genetics Tuebingen
Classification: Uncertain significance. Last evaluated: 2025-11-01. Review status: criteria provided, single submitter. Criteria: CeGaT Center For Human Genetics Tuebingen Variant Classification Criteria Version 2. Collection method: clinical testing. Allele origin: germline. Affected: yes. Observed: 1 variant allele.
Comment: PRDM5: PM2

Ambry Genetics
Classification: Uncertain significance for Cardiovascular phenotype. Last evaluated: 2024-10-30. Review status: criteria provided, single submitter. Criteria: Ambry Variant Classification Scheme 2023. Collection method: clinical testing. Allele origin: germline.
Comment: The p.D8H variant (also known as c.22G>C), located in coding exon 1 of the PRDM5 gene, results from a G to C substitution at nucleotide position 22. The aspartic acid at codon 8 is replaced by histidine, an amino acid with similar properties. This amino acid position is conserved. In addition, this alteration is predicted to be tolerated by in silico analysis. Based on the available evidence, the clinical significance of this variant remains unclear.